The following is an entry in ClinVar:

NC_000023.11:g.154558015_154569698del

Genes: IKBKG (inhibitor of nuclear factor kappa B kinase regulatory subunit gamma; plus strand), LOC107988021 (IKBKG recombination region; plus strand), LOC107988022 (IKBKG downstream recombination region; plus strand). Cytogenetic location: Xq28.
Variant type: Deletion.
Identifiers: ClinVar variation 4683109 (VCV004683109.1).

ClinVar aggregate classification (germline): Pathogenic (1 of 4 stars; one submission).

Conditions:
Incontinentia pigmenti syndrome (IP). Also called: INCONTINENTIA PIGMENTI, TYPE II; Incontinentia Pigmenti; BLOCH-SULZBERGER SYNDROME; INCONTINENTIA PIGMENTI, FAMILIAL MALE-LETHAL TYPE. Identifiers: Orphanet 464, MedGen C0021171, MONDO:0010631, OMIM 308300.

Submission:

Institute of Human Genetics, University of Leipzig Medical Center
Classification: Pathogenic for Incontinentia pigmenti syndrome. Last evaluated: 2025-12-09. Review status: criteria provided, single submitter. Criteria: ACMG Guidelines, 2015. Collection method: clinical testing. Allele origin: unknown. Inheritance: X-linked dominant inheritance. Affected: yes.
Comment: Criteria applied: PVS1,PS2_MOD,PS4,PM2_SUP; Deletion Exon 4-10